The following is an entry in ClinVar:

NM_198483.4(RUFY4):c.1677C>T (p.Cys559=)

Gene: RUFY4 (RUN and FYVE domain containing 4; plus strand). Cytogenetic location: 2q35.
Variant type: single nucleotide variant.
Coding change: c.1677C>T on transcript NM_198483.4 (MANE Select); coding-DNA position 1677, C replaced by T.
Protein change: p.Cys559=; no amino-acid change (cysteine 559 retained).
Molecular consequence: synonymous variant. On other transcripts: non-coding transcript variant (1).
Genome position (GRCh38, 1-based): chr2:218,090,015, C>T. VCF-style: chr2-218090015-C-T. GRCh37 (hg19) VCF-style: chr2-218954738-C-T.
Identifiers: ClinVar variation 2651875 (VCV002651875.24), dbSNP rs987626471, ClinGen allele CA65736281.

ClinVar aggregate classification (germline): Likely benign (1 of 4 stars; one submission).

Allele frequency attached by ClinVar (database versions not stated): TOPMed below 0.00001; gnomAD exomes 0.00001.
gnomAD v4.1: 8 of 1,563,460 alleles (0.00051%); highest among the groups gnomAD compares: Middle Eastern, 0.017%; no homozygotes.

Submission:

CeGaT Center for Human Genetics Tuebingen
Classification: Likely benign. Last evaluated: 2022-09-01. Review status: criteria provided, single submitter. Criteria: CeGaT Center For Human Genetics Tuebingen Variant Classification Criteria Version 2. Collection method: clinical testing. Allele origin: germline. Affected: yes. Observed: 1 variant allele.
Comment: RUFY4: BP4, BP7